The following is an entry in ClinVar:

ClinVar aggregate classification (germline): Benign/Likely benign. Review status: criteria provided, multiple submitters, no conflicts (2 of 4 stars). 4 submissions from 4 submitters: Benign (2); Likely benign (1). 1 of the submissions does not count toward it. Last evaluated 2025-12-01.

Conditions:
TBX3-related disorder. Also called: TBX3-related condition.
Ulnar-mammary syndrome (UMS). Also called: SCHINZEL SYNDROME; PALLISTER ULNAR-MAMMARY SYNDROME; Ulnar-mammary syndrome of Pallister. Identifiers: Orphanet 3138, MedGen C1866994, MONDO:0008411, OMIM 181450.

Allele frequency attached by ClinVar (database versions not stated): 1000 Genomes Project 30x 0.00094; 1000 Genomes Project 0.00100; ESP Exome Variant Server 0.00103; gnomAD 0.00189 and 0.00204; TOPMed 0.00200; gnomAD exomes 0.00019 and 0.00043; ExAC 0.00086.
gnomAD v4.1: 573 of 1,568,782 alleles (0.037%); highest among the groups gnomAD compares: African/African-American, 0.6%; 2 homozygotes.

Submissions (4):

Labcorp Genetics (formerly Invitae), Labcorp
Classification: Benign for Ulnar-mammary syndrome. Last evaluated: 2025-12-01. Review status: criteria provided, single submitter. Criteria: Invitae Variant Classification Sherloc (09022015). Collection method: clinical testing. Allele origin: germline.

Blueprint Genetics
Classification: Likely benign. Last evaluated: 2024-06-11. Review status: criteria provided, single submitter. Criteria: ACMG Guidelines, 2015. Collection method: clinical testing. Allele origin: germline.

Illumina Laboratory Services, Illumina
Classification: Benign for Ulnar-mammary syndrome. Last evaluated: 2018-01-13. Review status: criteria provided, single submitter. Criteria: ICSL Variant Classification Criteria 13 December 2019. Collection method: clinical testing. Allele origin: germline.
Comment: This variant was observed in the ICSL laboratory as part of a predisposition screen in an ostensibly healthy population. It had not been previously curated by ICSL or reported in the Human Gene Mutation Database (HGMD: prior to June 1st, 2018), and was therefore a candidate for classification through an automated scoring system. Utilizing variant allele frequency, disease prevalence and penetrance estimates, and inheritance mode, an automated score was calculated to assess if this variant is too frequent to cause the disease. Based on the score and internal cut-off values, a variant classified as benign is not then subjected to further curation. The score for this variant resulted in a classification of benign for this disease.

PreventionGenetics, part of Exact Sciences
Classification: Benign for TBX3-related condition. Last evaluated: 2024-01-24. Review status: no assertion criteria provided. Collection method: clinical testing. Allele origin: germline. Not counted in ClinVar's aggregate classification.
Comment: This variant is classified as benign based on ACMG/AMP sequence variant interpretation guidelines (Richards et al. 2015 PMID: 25741868, with internal and published modifications).

NM_005996.4(TBX3):c.1899C>T (p.Ser633=)

Gene: TBX3 (T-box transcription factor 3; minus strand). Cytogenetic location: 12q24.21.
Variant type: single nucleotide variant.
Coding change: c.1899C>T on transcript NM_005996.4 (MANE Select); coding-DNA position 1899, C replaced by T.
Protein change: p.Ser633=; no amino-acid change (serine 633 retained).
Molecular consequence: synonymous variant.
Genome position (GRCh38, 1-based): chr12:114,672,114, G>A on the plus strand (C>T on the coding strand, the complement: TBX3 is on the minus strand). VCF-style: chr12-114672114-G-A. GRCh37 (hg19) VCF-style: chr12-115109919-G-A.
Other names: c.1959C>T (NM_016569.3); c.1959C>T, p.Ser653= (NM_016569.4).
Identifiers: ClinVar variation 307356 (VCV000307356.18), dbSNP rs200569006, ClinGen allele CA6809826.